The following is an entry in ClinVar:

NM_014915.3(ANKRD26):c.1301T>A (p.Val434Asp)

Gene: ANKRD26 (ankyrin repeat domain 26; minus strand). Cytogenetic location: 10p12.1.
Variant type: single nucleotide variant.
Coding change: c.1301T>A on transcript NM_014915.3 (MANE Select); coding-DNA position 1301, T replaced by A.
Protein change: p.Val434Asp; replaces valine 434 with aspartic acid.
Molecular consequence: missense variant.
Genome position (GRCh38, 1-based): chr10:27,064,050, A>T on the plus strand (T>A on the coding strand, the complement: ANKRD26 is on the minus strand). VCF-style: chr10-27064050-A-T. GRCh37 (hg19) VCF-style: chr10-27352979-A-T.
Other names: c.1301T>A, p.Val434Asp (NM_001256053.2); short protein forms V434D.
Identifiers: ClinVar variation 3612907 (VCV003612907.2).

ClinVar aggregate classification (germline): Uncertain significance (1 of 4 stars; one submission).

Submission:

Labcorp Genetics (formerly Invitae), Labcorp
Classification: Uncertain significance. Last evaluated: 2024-04-25. Review status: criteria provided, single submitter. Criteria: Invitae Variant Classification Sherloc (09022015). Collection method: clinical testing. Allele origin: germline.
Comment: This sequence change replaces valine, which is neutral and non-polar, with aspartic acid, which is acidic and polar, at codon 434 of the ANKRD26 protein (p.Val434Asp). This variant is not present in population databases (gnomAD no frequency). This variant has not been reported in the literature in individuals affected with ANKRD26-related conditions. An algorithm developed to predict the effect of missense changes on protein structure and function (PolyPhen-2) suggests that this variant is likely to be disruptive. In summary, the available evidence is currently insufficient to determine the role of this variant in disease. Therefore, it has been classified as a Variant of Uncertain Significance.